The following is an entry in ClinVar:

NM_207352.4(CYP4V2):c.802-8T>G

Gene: CYP4V2 (cytochrome P450 family 4 subfamily V member 2; plus strand). Cytogenetic location: 4q35.2.
Variant type: single nucleotide variant.
Coding change: c.802-8T>G on transcript NM_207352.4 (MANE Select); 8 bases into the intron before coding-DNA position 802, T replaced by G.
Molecular consequence: intron variant.
Genome position (GRCh38, 1-based): chr4:186,201,149, T>G. VCF-style: chr4-186201149-T-G. GRCh37 (hg19) VCF-style: chr4-187122303-T-G.
Identifiers: ClinVar variation 968498 (VCV000968498.3), dbSNP rs952799248, ClinGen allele CA112127545.
Genomic context (GRCh38, chr4:186,201,149, plus strand): 5'-GAAAATGTGTTAACTAGGGTGCATCCAAGTCCAAACAGAAGCATGTGATTATCATTCAAA[T>G]CATACAGGTCATCGCTGAACGGGCCAATGAAATGAACGCCAATGAAGACTGTAGAGGTGA-3'

ClinVar aggregate classification (germline): Pathogenic (1 of 4 stars; one submission).

Allele frequency attached by ClinVar (database versions not stated): gnomAD exomes below 0.00001; TOPMed 0.00014.
gnomAD v4.1: 1 of 1,613,782 alleles (0.000062%); highest among the groups gnomAD compares: East Asian, 0.0022%; no homozygotes.

Submission:

Labcorp Genetics (formerly Invitae), Labcorp
Classification: Pathogenic. Last evaluated: 2021-09-10. Review status: criteria provided, single submitter. Criteria: Invitae Variant Classification Sherloc (09022015). Collection method: clinical testing. Allele origin: germline.
Comment: This variant results in the deletion of part of exon 7 (c.802-8_810delinsGC) of the CYP4V2 gene. RNA analysis indicates that this variant induces altered splicing and likely results in a shortened protein product. This variant has been observed in individual(s) with Bietti crystalline corneoretinal dystrophy (BCD) (PMID: 15042513, 16186368, 28051075, 30429639). It is commonly reported in individuals of East Asian ancestry (PMID: 15042513, 16186368, 28051075, 30429639). This variant is also known as IVS6-8delTCATACAGGTCATC and IVS6-Ex7del. ClinVar contains an entry for this variant (Variation ID: 968498). Studies have shown that this variant results in skipping of exon 7, but is expected to preserve the integrity of the reading-frame (PMID: 15042513). For these reasons, this variant has been classified as Pathogenic.

Literature cited by the submitters: PubMed 15042513; PubMed 16186368; PubMed 28051075; PubMed 30429639.